The following is an entry in ClinVar:

NM_001128840.3(CACNA1D):c.1317G>C (p.Leu439Phe)

Gene: CACNA1D (calcium voltage-gated channel subunit alpha1 D; plus strand). Cytogenetic location: 3p21.1.
Variant type: single nucleotide variant.
Coding change: c.1317G>C on transcript NM_001128840.3 (MANE Select); coding-DNA position 1317, G replaced by C.
Protein change: p.Leu439Phe; replaces leucine 439 with phenylalanine.
Molecular consequence: missense variant.
Genome position (GRCh38, 1-based): chr3:53,702,737, G>C. VCF-style: chr3-53702737-G-C. GRCh37 (hg19) VCF-style: chr3-53736764-G-C.
Other names: c.1317G>C, p.Leu439Phe (NM_000720.4, NM_001128839.3); short protein forms L439F.
Identifiers: ClinVar variation 2806609 (VCV002806609.3), dbSNP rs2473471891, ClinGen allele CA353384456.
Genomic context (GRCh38, chr3:53,702,737, plus strand): 5'-GGGAGATTTCCAGAAGCTCCGGGAGAAGCAGCAGCTGGAGGAGGATCTAAAGGGCTACTT[G>C]GATTGGATCACCCAAGCTGAGGACATCGATCCGGAGAATGAGGAAGAAGGAGGAGAGGAA-3'
Protein context (NP_001122312.1, residues 429-449): QQLEEDLKGY[Leu439Phe]DWITQAEDID

ClinVar aggregate classification (germline): Uncertain significance (1 of 4 stars; one submission).

Submission:

Labcorp Genetics (formerly Invitae), Labcorp
Classification: Uncertain significance. Last evaluated: 2024-02-25. Review status: criteria provided, single submitter. Criteria: Invitae Variant Classification Sherloc (09022015). Collection method: clinical testing. Allele origin: germline.
Comment: This sequence change replaces leucine, which is neutral and non-polar, with phenylalanine, which is neutral and non-polar, at codon 439 of the CACNA1D protein (p.Leu439Phe). This variant is not present in population databases (gnomAD no frequency). This variant has not been reported in the literature in individuals affected with CACNA1D-related conditions. Advanced modeling of protein sequence and biophysical properties (such as structural, functional, and spatial information, amino acid conservation, physicochemical variation, residue mobility, and thermodynamic stability) performed at Invitae indicates that this missense variant is not expected to disrupt CACNA1D protein function with a negative predictive value of 80%. In summary, the available evidence is currently insufficient to determine the role of this variant in disease. Therefore, it has been classified as a Variant of Uncertain Significance.